The following is an entry in ClinVar:

ClinVar aggregate classification (germline): Uncertain significance (1 of 4 stars; one submission).

Allele frequency attached by ClinVar (database versions not stated): gnomAD exomes below 0.00001 and 0.00001; ExAC 0.00001; gnomAD 0.00001.
gnomAD v4.1: 6 of 1,585,270 alleles (0.00038%); highest among the groups gnomAD compares: Middle Eastern, 0.05%; no homozygotes.

Submission:

Labcorp Genetics (formerly Invitae), Labcorp
Classification: Uncertain significance. Last evaluated: 2021-11-30. Review status: criteria provided, single submitter. Criteria: Invitae Variant Classification Sherloc (09022015). Collection method: clinical testing. Allele origin: germline.
Comment: In summary, the available evidence is currently insufficient to determine the role of this variant in disease. Therefore, it has been classified as a Variant of Uncertain Significance. Variants that disrupt the consensus splice site are a relatively common cause of aberrant splicing (PMID: 17576681, 9536098). Algorithms developed to predict the effect of sequence changes on RNA splicing suggest that this variant is not likely to affect RNA splicing. This variant has not been reported in the literature in individuals affected with SI-related conditions. This variant is present in population databases (rs768911081, gnomAD no frequency). This sequence change falls in intron 15 of the SI gene. It does not directly change the encoded amino acid sequence of the SI protein. It affects a nucleotide within the consensus splice site.

Literature cited by the submitters: PubMed 17576681; PubMed 9536098.

NM_001041.4(SI):c.1716-3T>C

Gene: SI (sucrase-isomaltase; minus strand). Cytogenetic location: 3q26.1.
Variant type: single nucleotide variant.
Coding change: c.1716-3T>C on transcript NM_001041.4 (MANE Select); 3 bases into the intron before coding-DNA position 1716, T replaced by C.
Molecular consequence: intron variant.
Genome position (GRCh38, 1-based): chr3:165,047,015, A>G on the plus strand (T>C on the coding strand, the complement: SI is on the minus strand). VCF-style: chr3-165047015-A-G. GRCh37 (hg19) VCF-style: chr3-164764803-A-G.
Identifiers: ClinVar variation 1475838 (VCV001475838.6), dbSNP rs768911081, ClinGen allele CA2690960.